The following is an entry in ClinVar:

ClinVar aggregate classification (germline): Uncertain significance (1 of 4 stars; one submission).

Submission:

Labcorp Genetics (formerly Invitae), Labcorp
Classification: Uncertain significance. Last evaluated: 2023-10-23. Review status: criteria provided, single submitter. Criteria: Invitae Variant Classification Sherloc (09022015). Collection method: clinical testing. Allele origin: germline.
Comment: This sequence change replaces aspartic acid, which is acidic and polar, with glycine, which is neutral and non-polar, at codon 409 of the PTPN23 protein (p.Asp409Gly). This variant is not present in population databases (gnomAD no frequency). This variant has not been reported in the literature in individuals affected with PTPN23-related conditions. ClinVar contains an entry for this variant (Variation ID: 2130844). Experimental studies and prediction algorithms are not available or were not evaluated, and the functional significance of this variant is currently unknown. In summary, the available evidence is currently insufficient to determine the role of this variant in disease. Therefore, it has been classified as a Variant of Uncertain Significance.

NM_015466.4(PTPN23):c.1226A>G (p.Asp409Gly)

Gene: PTPN23 (protein tyrosine phosphatase non-receptor type 23; plus strand). Cytogenetic location: 3p21.31.
Variant type: single nucleotide variant.
Coding change: c.1226A>G on transcript NM_015466.4 (MANE Select); coding-DNA position 1226, A replaced by G.
Protein change: p.Asp409Gly; replaces aspartic acid 409 with glycine.
Molecular consequence: missense variant.
Genome position (GRCh38, 1-based): chr3:47,408,386, A>G. VCF-style: chr3-47408386-A-G. GRCh37 (hg19) VCF-style: chr3-47449876-A-G.
Other names: c.848A>G, p.Asp283Gly (NM_001304482.2); short protein forms D283G, D409G.
Identifiers: ClinVar variation 2130844 (VCV002130844.4), dbSNP rs2546244920, ClinGen allele CA352551914.